The following is an entry in ClinVar:

NM_000540.3(RYR1):c.3768A>G (p.Val1256=)

Gene: RYR1 (ryanodine receptor 1; plus strand). Cytogenetic location: 19q13.2.
Variant type: single nucleotide variant.
Coding change: c.3768A>G on transcript NM_000540.3 (MANE Select); coding-DNA position 3768, A replaced by G.
Protein change: p.Val1256=; no amino-acid change (valine 1256 retained).
Molecular consequence: synonymous variant.
Genome position (GRCh38, 1-based): chr19:38,473,379, A>G. VCF-style: chr19-38473379-A-G. GRCh37 (hg19) VCF-style: chr19-38964019-A-G.
Other names: c.3768A>G, p.Val1256= (NM_001042723.2).
Identifiers: ClinVar variation 760617 (VCV000760617.9), dbSNP rs1600729390, ClinGen allele CA507235421.

ClinVar aggregate classification (germline): Likely benign. Review status: criteria provided, multiple submitters, no conflicts (2 of 4 stars). 3 submissions from 3 submitters: Likely benign (3). Last evaluated 2024-01-22.

Conditions:
RYR1-related disorder. Also called: RYR1-related condition; RYR1-related disorders. Identifiers: MedGen CN239331.
Malignant hyperthermia, susceptibility to, 1 (MHS1). Also called: Malignant hyperthermia suceptibility 1; RYR1-Related Malignant Hyperthermia Susceptibility; Anesthesia related hyperthermia; Malignant hyperpyrexia; Fulminating hyperpyrexia; Pharmacogenic myopathy. Identifiers: Orphanet 423, MedGen C2930980, MONDO:0007783, OMIM 145600.

Allele frequency attached by ClinVar (database versions not stated): gnomAD exomes below 0.00001; TOPMed below 0.00001.
gnomAD v4.1: 3 of 1,613,750 alleles (0.00019%); highest among the groups gnomAD compares: Admixed American, 0.0033%; no homozygotes.

Submissions (3):

Labcorp Genetics (formerly Invitae), Labcorp
Classification: Likely benign for RYR1-related disorder. Last evaluated: 2024-01-22. Review status: criteria provided, single submitter. Criteria: Invitae Variant Classification Sherloc (09022015). Collection method: clinical testing. Allele origin: germline.

All of Us Research Program, National Institutes of Health
Classification: Likely benign for Malignant hyperthermia, susceptibility to, 1. Last evaluated: 2023-10-27. Review status: criteria provided, single submitter. Criteria: ACMG Guidelines, 2015. Collection method: clinical testing. Allele origin: germline. Inheritance: Autosomal dominant inheritance. Observed: 1 variant allele, 1 heterozygote.
Comment: This study involves interpretation of variants in research participants for the purpose of population health screening. Participant phenotype was not available at the time of variant classification. Additional details can be found in publication PMID: 35346344, PMCID: PMC8962531

Color Diagnostics, LLC DBA Color Health
Classification: Likely benign for Malignant hyperthermia, susceptibility to, 1. Last evaluated: 2022-11-06. Review status: criteria provided, single submitter. Criteria: ACMG Guidelines, 2015. Collection method: clinical testing. Allele origin: germline.